The following is an entry in ClinVar:

ClinVar aggregate classification (germline): Uncertain significance. Review status: criteria provided, multiple submitters, no conflicts (2 of 4 stars). 10 submissions from 10 submitters: Uncertain significance (9). 1 of the submissions does not count toward it. Last evaluated 2026-01-19.

Conditions:
Endometrial carcinoma. Also called: Endometrial carcinoma, somatic. Identifiers: MedGen C0476089, MONDO:0002447, OMIM 608089, HP:0012114.
MSH3-related disorder. Also called: MSH3-related condition.
Familial adenomatous polyposis 4 (FAP4). Also called: MSH3-related attenuated familial adenomatous polyposis. Identifiers: Orphanet 480536, MedGen C4310719, MONDO:0044300, OMIM 617100.
Hereditary cancer-predisposing syndrome. Also called: Hereditary neoplastic syndrome; Tumor predisposition; Neoplastic Syndromes, Hereditary; Hereditary Cancer Syndrome. Identifiers: Orphanet 140162, MedGen C0027672, MeSH D009386, MONDO:0015356.

Allele frequency attached by ClinVar (database versions not stated): gnomAD 0.00004 and 0.00005; ESP Exome Variant Server 0.00023; gnomAD exomes 0.00002; TOPMed 0.00007; ExAC 0.00002.
gnomAD v4.1: 43 of 1,614,020 alleles (0.0027%); highest among the groups gnomAD compares: Middle Eastern, 0.066%; no homozygotes.

Submissions (10):

Labcorp Genetics (formerly Invitae), Labcorp
Classification: Uncertain significance. Last evaluated: 2026-01-19. Review status: criteria provided, single submitter. Criteria: Invitae Variant Classification Sherloc (09022015). Collection method: clinical testing. Allele origin: germline.
Comment: This sequence change replaces proline, which is neutral and non-polar, with leucine, which is neutral and non-polar, at codon 231 of the MSH3 protein (p.Pro231Leu). This variant is present in population databases (rs201748817, gnomAD 0.01%). This variant has not been reported in the literature in individuals affected with MSH3-related conditions. ClinVar contains an entry for this variant (Variation ID: 654492). An algorithm developed to predict the effect of missense changes on protein structure and function (PolyPhen-2) suggests that this variant is likely to be disruptive. In summary, the available evidence is currently insufficient to determine the role of this variant in disease. Therefore, it has been classified as a Variant of Uncertain Significance.

Center for Genomic Medicine, Rigshospitalet, Copenhagen University Hospital
Classification: Uncertain significance. Last evaluated: 2025-12-29. Review status: criteria provided, single submitter. Criteria: ACMG Guidelines, 2015. Collection method: clinical testing. Allele origin: germline.

GeneDx
Classification: Uncertain significance. Last evaluated: 2024-11-18. Review status: criteria provided, single submitter. Criteria: GeneDx Variant Classification Process June 2021. Collection method: clinical testing. Allele origin: germline. Affected: yes.
Comment: Not observed at significant frequency in large population cohorts (gnomAD); In silico analysis supports that this missense variant has a deleterious effect on protein structure/function; Has not been previously published as pathogenic or benign to our knowledge

Fulgent Genetics
Classification: Uncertain significance for Endometrial carcinoma; Familial adenomatous polyposis 4. Last evaluated: 2024-03-01. Review status: criteria provided, single submitter. Criteria: ACMG Guidelines, 2015. Collection method: clinical testing. Allele origin: germline.

Ambry Genetics
Classification: Uncertain significance for Hereditary cancer-predisposing syndrome. Last evaluated: 2024-02-27. Review status: criteria provided, single submitter. Criteria: Ambry Variant Classification Scheme 2023. Collection method: clinical testing. Allele origin: germline.
Comment: The p.P231L variant (also known as c.692C>T), located in coding exon 4 of the MSH3 gene, results from a C to T substitution at nucleotide position 692. The proline at codon 231 is replaced by leucine, an amino acid with similar properties. This amino acid position is highly conserved in available vertebrate species. In addition, this alteration is predicted to be deleterious by in silico analysis. Since supporting evidence is limited at this time, the clinical significance of this alteration remains unclear.

Baylor Genetics
Classification: Uncertain significance for Endometrial carcinoma. Last evaluated: 2023-12-25. Review status: criteria provided, single submitter. Criteria: ACMG Guidelines, 2015. Collection method: clinical testing. Allele origin: unknown.

Quest Diagnostics Nichols Institute San Juan Capistrano
Classification: Uncertain significance. Last evaluated: 2023-07-03. Review status: criteria provided, single submitter. Criteria: Quest Diagnostics criteria. Collection method: clinical testing. Allele origin: unknown.
Comment: This variant has not been reported in the published literature. The frequency of this variant in the general population, 0.000026 (3/113734 chromosomes (Genome Aggregation Database)), is uninformative in the assessment of its pathogenicity. Analysis of this variant using bioinformatics tools for the prediction of the effect of amino acid changes on protein structure and function yielded predictions that this variant is damaging. Based on the available information, we are unable to determine the clinical significance of this variant.

Sema4
Classification: Uncertain significance for Hereditary cancer-predisposing syndrome. Last evaluated: 2021-10-31. Review status: criteria provided, single submitter. Criteria: Sema4 Curation Guidelines. Collection method: curation. Allele origin: germline.
Comment: The MSH3 c.692C>T (p.P231L) variant has not been reported in the literature to our knowledge. This variant was observed in 2/16250 chromosomes in the African/African American subpopulation according to the Genome Aggregation Database (PMID: 32461654). This variant has been reported in ClinVar (Variation ID: 654492). In silico tools suggest the impact of the variant on protein function is deleterious, though these predictions have not been confirmed by functional studies. The evidence is insufficient to meet ACMG/AMP criteria for classifying the variant as benign or pathogenic. Thus, the clinical significance of this variant is currently uncertain.

Breakthrough Genomics
Classification: Uncertain significance. Review status: criteria provided, single submitter. Criteria: ACMG Guidelines, 2015. Collection method: not provided. Allele origin: germline. Inheritance: Autosomal recessive inheritance. Affected: yes.

PreventionGenetics, part of Exact Sciences
Classification: Uncertain significance for MSH3-related condition. Last evaluated: 2023-11-27. Review status: no assertion criteria provided. Collection method: clinical testing. Allele origin: germline. Not counted in ClinVar's aggregate classification.
Comment: The MSH3 c.692C>T variant is predicted to result in the amino acid substitution p.Pro231Leu. To our knowledge, this variant has not been reported in the literature. This variant is reported in 0.012% of alleles in individuals of African descent in gnomAD. At this time, the clinical significance of this variant is uncertain due to the absence of conclusive functional and genetic evidence.

NM_002439.5(MSH3):c.692C>T (p.Pro231Leu)

Gene: MSH3 (mutS homolog 3; plus strand). Cytogenetic location: 5q14.1.
Variant type: single nucleotide variant.
Coding change: c.692C>T on transcript NM_002439.5 (MANE Select); coding-DNA position 692, C replaced by T.
Protein change: p.Pro231Leu; replaces proline 231 with leucine.
Molecular consequence: missense variant.
Genome position (GRCh38, 1-based): chr5:80,670,209, C>T. VCF-style: chr5-80670209-C-T. GRCh37 (hg19) VCF-style: chr5-79966028-C-T.
Other names: short protein forms P231L.
Identifiers: ClinVar variation 654492 (VCV000654492.21), dbSNP rs201748817, ClinGen allele CA3327678.